The following is an entry in ClinVar:

NM_001134363.3(RBM20):c.3454G>A (p.Val1152Met)

Gene: RBM20 (RNA binding motif protein 20; plus strand). Cytogenetic location: 10q25.2.
Variant type: single nucleotide variant.
Coding change: c.3454G>A on transcript NM_001134363.3 (MANE Select); coding-DNA position 3454, G replaced by A.
Protein change: p.Val1152Met; replaces valine 1152 with methionine.
Molecular consequence: missense variant.
Genome position (GRCh38, 1-based): chr10:110,831,063, G>A. VCF-style: chr10-110831063-G-A. GRCh37 (hg19) VCF-style: chr10-112590821-G-A.
Other names: short protein forms V1152M.
Identifiers: ClinVar variation 3431236 (VCV003431236.1).
Genomic context (GRCh38, chr10:110,831,063, plus strand): 5'-AGGGGCCTGCCTCCCATGCCATCCTAACCCTGCGTGTCTATCCCCCATCCTTTCCCAGGG[G>A]TGGAGTTCGTGGTTCCCAGGACTGGCTTTTATTGCAAGCTGTGTGGGCTGTTCTACACGA-3'
Protein context (NP_001127835.2, residues 1142-1162): VFSELSIPLG[Val1152Met]EFVVPRTGFY

ClinVar aggregate classification (germline): Uncertain significance (1 of 4 stars; one submission).

Conditions:
Cardiovascular phenotype. Identifiers: MedGen CN230736.

gnomAD v4.1: 3 of 1,550,318 alleles (0.00019%); highest among the groups gnomAD compares: African/African-American, 0.0014%; no homozygotes.

Submission:

Ambry Genetics
Classification: Uncertain significance for Cardiovascular phenotype. Last evaluated: 2024-09-14. Review status: criteria provided, single submitter. Criteria: Ambry Variant Classification Scheme 2023. Collection method: clinical testing. Allele origin: germline.
Comment: The p.V1152M variant (also known as c.3454G>A), located in coding exon 13 of the RBM20 gene, results from a G to A substitution at nucleotide position 3454. The valine at codon 1152 is replaced by methionine, an amino acid with highly similar properties. This amino acid position is conserved. In addition, the in silico prediction for this alteration is inconclusive. Based on the available evidence, the clinical significance of this variant remains unclear.